The following is an entry in ClinVar:

ClinVar aggregate classification (germline): Uncertain significance. Review status: criteria provided, multiple submitters, no conflicts (2 of 4 stars). 2 submissions from 2 submitters: Uncertain significance (2). Last evaluated 2025-05-26.

Conditions:
Osteogenesis imperfecta type I (OI1). Also called: OI, TYPE I; OSTEOGENESIS IMPERFECTA TARDA; OSTEOGENESIS IMPERFECTA WITH BLUE SCLERAE; Lobstein disease; Osteogenesis imperfecta type 1; Lobstein's Disease. Identifiers: Orphanet 216796, Orphanet 666, MedGen C0023931, MONDO:0008146, OMIM 166200. Disease mechanism: loss of function.

Submissions (2):

Mayo Clinic Laboratories, Mayo Clinic
Classification: Uncertain significance. Last evaluated: 2025-05-26. Review status: criteria provided, single submitter. Criteria: ACMG Guidelines, 2015. Collection method: clinical testing. Allele origin: germline. Observed: 1 variant allele.
Comment: BP4, PM2_supporting

Labcorp Genetics (formerly Invitae), Labcorp
Classification: Uncertain significance for Osteogenesis imperfecta type I. Last evaluated: 2024-02-13. Review status: criteria provided, single submitter. Criteria: Invitae Variant Classification Sherloc (09022015). Collection method: clinical testing. Allele origin: germline.
Comment: This sequence change replaces serine, which is neutral and polar, with phenylalanine, which is neutral and non-polar, at codon 184 of the COL1A1 protein (p.Ser184Phe). This variant is not present in population databases (gnomAD no frequency). This variant has not been reported in the literature in individuals affected with COL1A1-related conditions. Advanced modeling of protein sequence and biophysical properties (such as structural, functional, and spatial information, amino acid conservation, physicochemical variation, residue mobility, and thermodynamic stability) performed at Invitae indicates that this missense variant is not expected to disrupt COL1A1 protein function with a negative predictive value of 95%. In summary, the available evidence is currently insufficient to determine the role of this variant in disease. Therefore, it has been classified as a Variant of Uncertain Significance.

NM_000088.4(COL1A1):c.551C>T (p.Ser184Phe)

Gene: COL1A1 (collagen type I alpha 1 chain; minus strand). Cytogenetic location: 17q21.33.
Variant type: single nucleotide variant.
Coding change: c.551C>T on transcript NM_000088.4 (MANE Select); coding-DNA position 551, C replaced by T.
Protein change: p.Ser184Phe; replaces serine 184 with phenylalanine.
Molecular consequence: missense variant.
Genome position (GRCh38, 1-based): chr17:50,198,198, G>A on the plus strand (C>T on the coding strand, the complement: COL1A1 is on the minus strand). VCF-style: chr17-50198198-G-A. GRCh37 (hg19) VCF-style: chr17-48275559-G-A.
Other names: p.Ser184Phe; short protein forms S184F.
Identifiers: ClinVar variation 2852390 (VCV002852390.4), dbSNP rs2509248282, ClinGen allele CA400225735.